The following is an entry in ClinVar:

ClinVar aggregate classification (germline): Uncertain significance. Review status: criteria provided, multiple submitters, no conflicts (2 of 4 stars). 3 submissions from 3 submitters: Uncertain significance (3). Last evaluated 2024-12-04.

Conditions:
Inborn genetic diseases. Identifiers: MedGen C0950123, MeSH D030342.

Allele frequency attached by ClinVar (database versions not stated): gnomAD 0.00001; gnomAD exomes 0.00001; TOPMed 0.00001.
gnomAD v4.1: 12 of 1,613,442 alleles (0.00074%); highest among the groups gnomAD compares: South Asian, 0.0011%; no homozygotes.

Submissions (3):

Ambry Genetics
Classification: Uncertain significance for Inborn genetic diseases. Last evaluated: 2024-12-04. Review status: criteria provided, single submitter. Criteria: Ambry Variant Classification Scheme 2023. Collection method: clinical testing. Allele origin: germline.
Comment: The p.C986R variant (also known as c.2956T>C), located in coding exon 13 of the MECOM gene, results from a T to C substitution at nucleotide position 2956. The cysteine at codon 986 is replaced by arginine, an amino acid with highly dissimilar properties. This amino acid position is conserved. In addition, the in silico prediction for this alteration is inconclusive. Based on the available evidence, the clinical significance of this variant remains unclear.

Labcorp Genetics (formerly Invitae), Labcorp
Classification: Uncertain significance. Last evaluated: 2024-06-25. Review status: criteria provided, single submitter. Criteria: Invitae Variant Classification Sherloc (09022015). Collection method: clinical testing. Allele origin: germline.
Comment: This sequence change replaces cysteine, which is neutral and slightly polar, with arginine, which is basic and polar, at codon 798 of the MECOM protein (p.Cys798Arg). This variant is not present in population databases (gnomAD no frequency). This variant has not been reported in the literature in individuals affected with MECOM-related conditions. ClinVar contains an entry for this variant (Variation ID: 2175856). An algorithm developed to predict the effect of missense changes on protein structure and function (PolyPhen-2) suggests that this variant is likely to be disruptive. In summary, the available evidence is currently insufficient to determine the role of this variant in disease. Therefore, it has been classified as a Variant of Uncertain Significance.

Blueprint Genetics
Classification: Uncertain significance. Last evaluated: 2023-10-18. Review status: criteria provided, single submitter. Criteria: ACMG Guidelines, 2015. Collection method: clinical testing. Allele origin: germline.

NM_004991.4(MECOM):c.2956T>C (p.Cys986Arg)

Gene: MECOM (MDS1 and EVI1 complex locus; minus strand). Cytogenetic location: 3q26.2.
Variant type: single nucleotide variant.
Coding change: c.2956T>C on transcript NM_004991.4 (MANE Select); coding-DNA position 2956, T replaced by C.
Protein change: p.Cys986Arg; replaces cysteine 986 with arginine.
Molecular consequence: missense variant.
Genome position (GRCh38, 1-based): chr3:169,095,139, A>G on the plus strand (T>C on the coding strand, the complement: MECOM is on the minus strand). VCF-style: chr3-169095139-A-G. GRCh37 (hg19) VCF-style: chr3-168812927-A-G.
Other names: c.2956T>C (NM_004991.3); c.2587T>C, p.Cys863Arg (NM_001105077.4); c.2392T>C, p.Cys798Arg (NM_001105078.4, NM_001205194.2, NM_001366469.2 and 1 more transcripts); c.2368T>C, p.Cys790Arg (NM_001163999.2, NM_001366470.2); c.2365T>C, p.Cys789Arg (NM_001164000.2, NM_001366471.2, NM_001366472.2); c.2929T>C, p.Cys977Arg (NM_001366466.2); c.2395T>C, p.Cys799Arg (NM_001366467.2, NM_001366468.2); c.1957T>C, p.Cys653Arg (NM_001366473.2); and 1 more; short protein forms C653R, C799R, C465R, C789R, C798R, C863R, C790R, C977R.
Identifiers: ClinVar variation 2175856 (VCV002175856.6), dbSNP rs1358801224, ClinGen allele CA355073575.